The following is an entry in ClinVar:

ClinVar aggregate classification (germline): Uncertain significance. Review status: criteria provided, multiple submitters, no conflicts (2 of 4 stars). 2 submissions from 2 submitters: Uncertain significance (2). Last evaluated 2024-12-18.

Conditions:
Osteogenesis imperfecta type I (OI1). Also called: Lobstein's Disease; Classic Non-deforming Osteogenesis Imperfecta with Blue Sclerae; OI, TYPE I; OSTEOGENESIS IMPERFECTA TARDA; OSTEOGENESIS IMPERFECTA WITH BLUE SCLERAE; Osteogenesis imperfecta type 1. Identifiers: Orphanet 216796, Orphanet 666, MedGen C0023931, MONDO:0008146, OMIM 166200. Disease mechanism: loss of function.

Submissions (2):

Labcorp Genetics (formerly Invitae), Labcorp
Classification: Uncertain significance for Osteogenesis imperfecta type I. Last evaluated: 2024-12-18. Review status: criteria provided, single submitter. Criteria: Invitae Variant Classification Sherloc (09022015). Collection method: clinical testing. Allele origin: germline.
Comment: This sequence change replaces valine, which is neutral and non-polar, with leucine, which is neutral and non-polar, at codon 1300 of the COL1A1 protein (p.Val1300Leu). This variant is not present in population databases (gnomAD no frequency). This variant has not been reported in the literature in individuals affected with COL1A1-related conditions. ClinVar contains an entry for this variant (Variation ID: 2430899). Invitae Evidence Modeling of protein sequence and biophysical properties (such as structural, functional, and spatial information, amino acid conservation, physicochemical variation, residue mobility, and thermodynamic stability) indicates that this missense variant is not expected to disrupt COL1A1 protein function with a negative predictive value of 95%. In summary, the available evidence is currently insufficient to determine the role of this variant in disease. Therefore, it has been classified as a Variant of Uncertain Significance.

GeneDx
Classification: Uncertain significance. Last evaluated: 2022-08-15. Review status: criteria provided, single submitter. Criteria: GeneDx Variant Classification Process June 2021. Collection method: clinical testing. Allele origin: germline. Affected: yes.
Comment: Not observed at significant frequency in large population cohorts (gnomAD); In silico analysis supports that this missense variant does not alter protein structure/function; Has not been previously published as pathogenic or benign to our knowledge; Not located in the triple helical region, where the majority of pathogenic missense variants occur (HGMD)

NM_000088.4(COL1A1):c.3898G>T (p.Val1300Leu)

Gene: COL1A1 (collagen type I alpha 1 chain; minus strand). Cytogenetic location: 17q21.33.
Variant type: single nucleotide variant.
Coding change: c.3898G>T on transcript NM_000088.4 (MANE Select); coding-DNA position 3898, G replaced by T.
Protein change: p.Val1300Leu; replaces valine 1300 with leucine.
Molecular consequence: missense variant.
Genome position (GRCh38, 1-based): chr17:50,186,424, C>A on the plus strand (G>T on the coding strand, the complement: COL1A1 is on the minus strand). VCF-style: chr17-50186424-C-A. GRCh37 (hg19) VCF-style: chr17-48263785-C-A.
Other names: short protein forms V1300L.
Identifiers: ClinVar variation 2430899 (VCV002430899.3), dbSNP rs192986202, ClinGen allele CA400193588.